The following is an entry in ClinVar:

NM_054012.4(ASS1):c.827T>C (p.Met276Thr)

Gene: ASS1 (argininosuccinate synthase 1; plus strand). Cytogenetic location: 9q34.11.
Variant type: single nucleotide variant.
Coding change: c.827T>C on transcript NM_054012.4 (MANE Select); coding-DNA position 827, T replaced by C.
Protein change: p.Met276Thr; replaces methionine 276 with threonine.
Molecular consequence: missense variant.
Genome position (GRCh38, 1-based): chr9:130,480,438, T>C. VCF-style: chr9-130480438-T-C. GRCh37 (hg19) VCF-style: chr9-133355825-T-C.
Other names: c.827T>C, p.Met276Thr (NM_000050.4); short protein forms M276T.
Identifiers: ClinVar variation 860531 (VCV000860531.8), dbSNP rs1365759588, ClinGen allele CA375229519.

ClinVar aggregate classification (germline): Uncertain significance. Review status: criteria provided, single submitter (1 of 4 stars). 2 submissions from 2 submitters: Uncertain significance (1). 1 of the submissions does not count toward it. Last evaluated 2021-09-01.

Conditions:
Citrullinemia type I (CTNL1). Also called: ASS DEFICIENCY; argininosuccinate synthetase deficiency. Identifiers: Orphanet 247525, MedGen C4721769, MONDO:0008988, OMIM 215700.
Citrullinemia. Identifiers: Orphanet 187, MedGen C0175683, MONDO:0015991.

Allele frequency attached by ClinVar (database versions not stated): gnomAD exomes below 0.00001; TOPMed below 0.00001.
gnomAD v4.1: 1 of 1,614,104 alleles (0.000062%); highest among the groups gnomAD compares: South Asian, 0.0011%; no homozygotes.

Submissions (2):

Labcorp Genetics (formerly Invitae), Labcorp
Classification: Uncertain significance for Citrullinemia. Last evaluated: 2021-09-01. Review status: criteria provided, single submitter. Criteria: Invitae Variant Classification Sherloc (09022015). Collection method: clinical testing. Allele origin: germline.
Comment: This sequence change replaces methionine with threonine at codon 276 of the ASS1 protein (p.Met276Thr). The methionine residue is moderately conserved and there is a moderate physicochemical difference between methionine and threonine. This variant is not present in population databases (ExAC no frequency). This missense change has been observed in individual(s) with clinical features of citrullinemia (Invitae). Algorithms developed to predict the effect of missense changes on protein structure and function are either unavailable or do not agree on the potential impact of this missense change (SIFT: "Deleterious"; PolyPhen-2: "Possibly Damaging"; Align-GVGD: "Class C0"). In summary, the available evidence is currently insufficient to determine the role of this variant in disease. Therefore, it has been classified as a Variant of Uncertain Significance.

Natera, Inc.
Classification: Uncertain significance for Citrullinemia type I. Last evaluated: 2021-06-30. Review status: no assertion criteria provided. Collection method: clinical testing. Allele origin: germline. Not counted in ClinVar's aggregate classification.